The following is an entry in ClinVar:

NM_006059.4(LAMC3):c.3565G>A (p.Ala1189Thr)

Gene: LAMC3 (laminin subunit gamma 3; plus strand). Cytogenetic location: 9q34.12.
Variant type: single nucleotide variant.
Coding change: c.3565G>A on transcript NM_006059.4 (MANE Select); coding-DNA position 3565, G replaced by A.
Protein change: p.Ala1189Thr; replaces alanine 1189 with threonine.
Molecular consequence: missense variant.
Genome position (GRCh38, 1-based): chr9:131,075,901, G>A. VCF-style: chr9-131075901-G-A. GRCh37 (hg19) VCF-style: chr9-133951288-G-A.
Other names: c.3565G>A (NM_006059.3); short protein forms A1189T.
Identifiers: ClinVar variation 1389460 (VCV001389460.6), dbSNP rs375541717, ClinGen allele CA5287850.

ClinVar aggregate classification (germline): Conflicting classifications of pathogenicity. Review status: criteria provided, conflicting classifications (1 of 4 stars). 2 submissions from 2 submitters: Uncertain significance (1); Likely benign (1). Last evaluated 2025-01-02.

Conditions:
Inborn genetic diseases. Identifiers: MedGen C0950123, MeSH D030342.

Allele frequency attached by ClinVar (database versions not stated): ExAC 0.00001; gnomAD exomes 0.00001 and 0.00002; gnomAD 0.00003; ESP Exome Variant Server 0.00008.
gnomAD v4.1: 36 of 1,612,260 alleles (0.0022%); highest among the groups gnomAD compares: South Asian, 0.0088%; no homozygotes.

Submissions (2):

Ambry Genetics
Classification: Likely benign for Inborn genetic diseases. Last evaluated: 2025-01-02. Review status: criteria provided, single submitter. Criteria: Ambry Variant Classification Scheme 2023. Collection method: clinical testing. Allele origin: germline.

Labcorp Genetics (formerly Invitae), Labcorp
Classification: Uncertain significance. Last evaluated: 2022-03-19. Review status: criteria provided, single submitter. Criteria: Invitae Variant Classification Sherloc (09022015). Collection method: clinical testing. Allele origin: germline.
Comment: This sequence change replaces alanine, which is neutral and non-polar, with threonine, which is neutral and polar, at codon 1189 of the LAMC3 protein (p.Ala1189Thr). This variant is present in population databases (rs375541717, gnomAD 0.008%). This variant has not been reported in the literature in individuals affected with LAMC3-related conditions. Algorithms developed to predict the effect of missense changes on protein structure and function output the following: SIFT: "Tolerated"; PolyPhen-2: "Benign"; Align-GVGD: "Class C0". The threonine amino acid residue is found in multiple mammalian species, which suggests that this missense change does not adversely affect protein function. In summary, the available evidence is currently insufficient to determine the role of this variant in disease. Therefore, it has been classified as a Variant of Uncertain Significance.